The following is an entry in ClinVar:

ClinVar aggregate classification (germline): Uncertain significance. Review status: criteria provided, multiple submitters, no conflicts (2 of 4 stars). 2 submissions from 2 submitters: Uncertain significance (2). Last evaluated 2025-12-30.

Conditions:
HNF1B-related disorder. Also called: HNF1B-related disorders; HNF1B-related condition.

Allele frequency attached by ClinVar (database versions not stated): TOPMed below 0.00001; gnomAD exomes 0.00001.
gnomAD v4.1: 8 of 1,557,316 alleles (0.00051%); highest among the groups gnomAD compares: South Asian, 0.0095%; no homozygotes.

Submissions (2):

Labcorp Genetics (formerly Invitae), Labcorp
Classification: Uncertain significance. Last evaluated: 2025-12-30. Review status: criteria provided, single submitter. Criteria: Invitae Variant Classification Sherloc (09022015). Collection method: clinical testing. Allele origin: germline.
Comment: This sequence change replaces glutamine, which is neutral and polar, with proline, which is neutral and non-polar, at codon 497 of the HNF1B protein (p.Gln497Pro). This variant is present in population databases (no rsID available, gnomAD 0.009%). This variant has not been reported in the literature in individuals affected with HNF1B-related conditions. ClinVar contains an entry for this variant (Variation ID: 1363339). Invitae Evidence Modeling of protein sequence and biophysical properties (such as structural, functional, and spatial information, amino acid conservation, physicochemical variation, residue mobility, and thermodynamic stability) indicates that this missense variant is not expected to disrupt HNF1B protein function with a negative predictive value of 80%. In summary, the available evidence is currently insufficient to determine the role of this variant in disease. Therefore, it has been classified as a Variant of Uncertain Significance.

PreventionGenetics, part of Exact Sciences
Classification: Uncertain significance for HNF1B-related condition. Last evaluated: 2025-04-21. Review status: criteria provided, single submitter. Criteria: ACMG Guidelines, 2015. Collection method: clinical testing. Allele origin: germline.
Comment: The HNF1B c.1490A>C variant is predicted to result in the amino acid substitution p.Gln497Pro. This variant is reported in 0.0086% of alleles in individuals of South Asian descent in gnomAD. At this time, the clinical significance of this variant is uncertain due to the absence of conclusive functional and genetic evidence.

NM_000458.4(HNF1B):c.1490A>C (p.Gln497Pro)

Gene: HNF1B (HNF1 homeobox B; minus strand). Cytogenetic location: 17q12.
Variant type: single nucleotide variant.
Coding change: c.1490A>C on transcript NM_000458.4 (MANE Select); coding-DNA position 1490, A replaced by C.
Protein change: p.Gln497Pro; replaces glutamine 497 with proline.
Molecular consequence: missense variant. On other transcripts: intron variant (1).
Genome position (GRCh38, 1-based): chr17:37,701,027, T>G on the plus strand (A>C on the coding strand, the complement: HNF1B is on the minus strand). VCF-style: chr17-37701027-T-G. GRCh37 (hg19) VCF-style: chr17-36061032-T-G.
Other names: c.1490A>C (NM_000458.3); c.1412A>C, p.Gln471Pro (NM_001165923.4); c.1261+3890A>C (NM_001304286.2); short protein forms Q497P, Q471P.
Identifiers: ClinVar variation 1363339 (VCV001363339.9), dbSNP rs1568638209, ClinGen allele CA398754970.